The following is an entry in ClinVar:

NM_001382.4(DPAGT1):c.918-10C>A

Gene: DPAGT1 (dolichyl-phosphate N-acetylglucosaminephosphotransferase 1; minus strand). Cytogenetic location: 11q23.3.
Variant type: single nucleotide variant.
Coding change: c.918-10C>A on transcript NM_001382.4 (MANE Select); 10 bases into the intron before coding-DNA position 918, C replaced by A.
Molecular consequence: intron variant.
Genome position (GRCh38, 1-based): chr11:119,097,561, G>T on the plus strand (C>A on the coding strand, the complement: DPAGT1 is on the minus strand). VCF-style: chr11-119097561-G-T. GRCh37 (hg19) VCF-style: chr11-118968271-G-T.
Identifiers: ClinVar variation 664042 (VCV000664042.1), dbSNP rs764154648, ClinGen allele CA602578054.

ClinVar aggregate classification (germline): Uncertain significance (1 of 4 stars; one submission).

Conditions:
DPAGT1-congenital disorder of glycosylation. Also called: CONGENITAL DISORDER OF GLYCOSYLATION, TYPE Ij; CDG Ij; DPAGT1-CDG. Identifiers: Orphanet 86309, MedGen C2931004, MONDO:0011964, OMIM 608093.
Congenital myasthenic syndrome 13 (CMS13). Also called: Myasthenic syndrome, congenital, 13, with tubular aggregates; Myasthenic syndrome, congenital, with tubular aggregates 2. Identifiers: Orphanet 353327, Orphanet 590, MedGen C3553645, MONDO:0013883, OMIM 614750.

gnomAD v4.1: 2 of 1,614,104 alleles (0.00012%); highest among the groups gnomAD compares: Non-Finnish European, 0.000085%; no homozygotes.

Submission:

Labcorp Genetics (formerly Invitae), Labcorp
Classification: Uncertain significance for Congenital myasthenic syndrome 13; Congenital disorder of glycosylation type 1J. Last evaluated: 2018-08-07. Review status: criteria provided, single submitter. Criteria: Invitae Variant Classification Sherloc (09022015). Collection method: clinical testing. Allele origin: germline.
Comment: This sequence change falls in intron 6 of the DPAGT1 gene. It does not directly change the encoded amino acid sequence of the DPAGT1 protein. This variant is not present in population databases (ExAC no frequency). This variant has not been reported in the literature in individuals with DPAGT1-related disease. Algorithms developed to predict the effect of sequence changes on RNA splicing suggest that this variant may disrupt the consensus splice site, but this prediction has not been confirmed by published transcriptional studies. In summary, the available evidence is currently insufficient to determine the role of this variant in disease. Therefore, it has been classified as a Variant of Uncertain Significance.